The following is an entry in ClinVar:

NM_015030.2(FRYL):c.1705C>G (p.Pro569Ala)

Gene: FRYL (FRY like transcription coactivator; minus strand). Cytogenetic location: 4p11.
Variant type: single nucleotide variant.
Coding change: c.1705C>G on transcript NM_015030.2 (MANE Select); coding-DNA position 1705, C replaced by G.
Protein change: p.Pro569Ala; replaces proline 569 with alanine.
Molecular consequence: missense variant.
Genome position (GRCh38, 1-based): chr4:48,586,664, G>C on the plus strand (C>G on the coding strand, the complement: FRYL is on the minus strand). VCF-style: chr4-48586664-G-C. GRCh37 (hg19) VCF-style: chr4-48588681-G-C.
Other names: short protein forms P569A.
Identifiers: ClinVar variation 4976019 (VCV004976019.1).

ClinVar aggregate classification (germline): Uncertain significance (1 of 4 stars; one submission).

Submission:

GeneDx
Classification: Uncertain significance. Last evaluated: 2026-02-02. Review status: criteria provided, single submitter. Criteria: GeneDx Variant Classification Process June 2021. Collection method: clinical testing. Allele origin: germline.
Comment: Not observed at significant frequency in large population cohorts (gnomAD); In silico analysis supports that this missense variant has a deleterious effect on protein structure/function; Has not been previously published as pathogenic or benign to our knowledge